The following is an entry in ClinVar:

ClinVar aggregate classification (germline): Uncertain significance (1 of 4 stars; one submission).

Conditions:
Hereditary antithrombin deficiency (AT3D). Also called: Antithrombin III deficiency; Thrombophilia due to antithrombin III deficiency; Antithrombin deficiency; Reduced antithrombin III activity. Identifiers: Orphanet 82, MedGen C0272375, MONDO:0013144, OMIM 613118, HP:0001976.

Allele frequency attached by ClinVar (database versions not stated): gnomAD exomes 0.00001.
gnomAD v4.1: 14 of 1,614,266 alleles (0.00087%); highest among the groups gnomAD compares: Non-Finnish European, 0.0011%; no homozygotes.

Submission:

Labcorp Genetics (formerly Invitae), Labcorp
Classification: Uncertain significance for Hereditary antithrombin deficiency. Last evaluated: 2023-06-14. Review status: criteria provided, single submitter. Criteria: Invitae Variant Classification Sherloc (09022015). Collection method: clinical testing. Allele origin: germline.
Comment: In summary, the available evidence is currently insufficient to determine the role of this variant in disease. Therefore, it has been classified as a Variant of Uncertain Significance. Algorithms developed to predict the effect of sequence changes on RNA splicing suggest that this variant may create or strengthen a splice site. Advanced modeling of protein sequence and biophysical properties (such as structural, functional, and spatial information, amino acid conservation, physicochemical variation, residue mobility, and thermodynamic stability) performed at Invitae indicates that this missense variant is not expected to disrupt SERPINC1 protein function. This variant has not been reported in the literature in individuals affected with SERPINC1-related conditions. This variant is not present in population databases (gnomAD no frequency). This sequence change replaces aspartic acid, which is acidic and polar, with asparagine, which is neutral and polar, at codon 309 of the SERPINC1 protein (p.Asp309Asn).

NM_000488.4(SERPINC1):c.925G>A (p.Asp309Asn)

Gene: SERPINC1 (serpin family C member 1; minus strand). Cytogenetic location: 1q25.1.
Variant type: single nucleotide variant.
Coding change: c.925G>A on transcript NM_000488.4 (MANE Select); coding-DNA position 925, G replaced by A.
Protein change: p.Asp309Asn; replaces aspartic acid 309 with asparagine.
Molecular consequence: missense variant.
Genome position (GRCh38, 1-based): chr1:173,909,780, C>T on the plus strand (G>A on the coding strand, the complement: SERPINC1 is on the minus strand). VCF-style: chr1-173909780-C-T. GRCh37 (hg19) VCF-style: chr1-173878918-C-T.
Other names: c.781G>A, p.Asp261Asn (NM_001365052.2); c.1048G>A, p.Asp350Asn (NM_001386302.1); c.1006G>A, p.Asp336Asn (NM_001386303.1); c.904G>A, p.Asp302Asn (NM_001386304.1); c.868G>A, p.Asp290Asn (NM_001386305.1); c.709G>A, p.Asp237Asn (NM_001386306.1); short protein forms D237N, D290N, D350N, D261N, D302N, D309N, D336N.
Identifiers: ClinVar variation 2911303 (VCV002911303.3), dbSNP rs2526571100, ClinGen allele CA343774235.